The following is an entry in ClinVar:

NM_002662.5(PLD1):c.1028dup (p.Tyr343Ter)

Gene: PLD1 (phospholipase D1; minus strand). Cytogenetic location: 3q26.31.
Variant type: Duplication.
Coding change: c.1028dup on transcript NM_002662.5 (MANE Select); coding-DNA position 1028, one base duplicated (A; older notation c.1028dupA).
Protein change: p.Tyr343Ter; replaces tyrosine 343 with a stop codon.
Molecular consequence: nonsense.
Genome position (GRCh38, 1-based): chr3:171,709,593, T duplicated on the plus strand (A on the coding strand, the reverse complement: PLD1 is on the minus strand). VCF-style (leftmost placement, unchanged base first): chr3-171709592-A-AT. GRCh37 (hg19) VCF-style: chr3-171427382-A-AT.
Other names: c.1028dup, p.Tyr343Ter (NM_001130081.3); short protein forms Y343*.
Identifiers: ClinVar variation 5006588 (VCV005006588.2).
Genomic context (GRCh38, chr3:171,709,592, plus strand): 5'-TGACAGGCTTAGAGAAATAATAACTTACCATTTAGCTAAAGCATTCTCTTGGATAGCAGC[A>AT]TATGACCCAAATCGATGATCTTTGAGAAAGTTGGTGCCATGTTTCTGGATGAATTCTTCT-3'

ClinVar aggregate classification (germline): Likely pathogenic (1 of 4 stars; one submission).

Conditions:
Cardiac valvular defect, developmental (CVDP1). Also called: CARDIAC VALVULAR DYSPLASIA 1. Identifiers: MedGen C5774175, MONDO:0008913, OMIM 212093.

Submission:

Juno Genomics, Hangzhou Juno Genomics, Inc
Classification: Likely pathogenic for Cardiac valvular defect, developmental. Review status: criteria provided, single submitter. Criteria: ACMG Guidelines, 2015. Collection method: clinical testing. Allele origin: germline.
Comment: Null variant in a gene where loss of function (LOF) is a known mechanism of disease.;Absent from controls (or at extremely low frequency if recessive) in Genome Aggregation Database.